The following is an entry in ClinVar:

ClinVar aggregate classification (germline): Pathogenic/Likely pathogenic. Review status: criteria provided, multiple submitters, no conflicts (2 of 4 stars). 9 submissions from 9 submitters: Pathogenic (8); Likely pathogenic (1). Last evaluated 2025-01-21.

Conditions:
Hereditary cancer-predisposing syndrome. Also called: Hereditary Cancer Syndrome; Neoplastic Syndromes, Hereditary; Tumor predisposition; Hereditary neoplastic syndrome. Identifiers: Orphanet 140162, MedGen C0027672, MeSH D009386, MONDO:0015356.
Familial colorectal cancer type X. Identifiers: Orphanet 440437, MedGen C3896578, MONDO:0018604.
Familial cancer of breast. Also called: BREAST CANCER, FAMILIAL; Hereditary breast cancer; hereditary breast carcinoma. Identifiers: Orphanet 227535, MedGen C0346153, MONDO:0016419, OMIM 114480. Disease mechanism: loss of function.
Ataxia-telangiectasia syndrome (AT). Also called: Ataxia-telangiectasia, complementation group D; AT, COMPLEMENTATION GROUP C; ATAXIA-TELANGIECTASIA, COMPLEMENTATION GROUP A; ATAXIA-TELANGIECTASIA, FRESNO VARIANT; Ataxia-telangiectasia; LOUIS-BAR SYNDROME. Identifiers: Orphanet 100, MedGen C0004135, MONDO:0008840, OMIM 208900.
Malignant tumor of breast. Also called: Cancer breast; Malignant breast neoplasm. Identifiers: MedGen C0006142, MONDO:0007254. Disease mechanism: loss of function.

gnomAD v4.1: 10 of 1,613,688 alleles (0.00062%); highest among the groups gnomAD compares: Non-Finnish European, 0.00085%; no homozygotes.

Submissions (9):

Ambry Genetics
Classification: Pathogenic for Hereditary cancer-predisposing syndrome. Last evaluated: 2025-01-21. Review status: criteria provided, single submitter. Criteria: Ambry Variant Classification Scheme 2023. Collection method: clinical testing. Allele origin: germline.
Comment: The p.S809* pathogenic mutation (also known as c.2426C>A), located in coding exon 15 of the ATM gene, results from a C to A substitution at nucleotide position 2426. This changes the amino acid from a serine to a stop codon within coding exon 15. This alteration has been reported in at least one breast cancer patient in a study of 13087 breast cancer cases and 5488 control individuals in the UK (Decker B et al. J Med Genet, 2017 11;54:732-741). This alteration was also reported in 2/60,466 breast cancer cases and in 1/53,461 controls (Dorling et al. N Engl J Med. 2021 02;384:428-439). This alteration was identified in a cohort of pancreatic cancer patients undergoing multigene panel testing (Young EL et al. BMC Cancer, 2018 Jun;18:697). This variant is considered to be rare based on population cohorts in the Genome Aggregation Database (gnomAD). In addition to the clinical data presented in the literature, this alteration is expected to result in loss of function by premature protein truncation or nonsense-mediated mRNA decay. As such, this alteration is interpreted as a disease-causing mutation.

Color Diagnostics, LLC DBA Color Health
Classification: Pathogenic for Hereditary cancer-predisposing syndrome. Last evaluated: 2025-01-13. Review status: criteria provided, single submitter. Criteria: ACMG Guidelines, 2015. Collection method: clinical testing. Allele origin: germline.
Comment: This variant changes 1 nucleotide in exon 16/63 of the ATM gene, creating a premature translation stop signal. This variant is expected to result in an absent or non-functional protein product. This variant has been reported in individuals affected with breast cancer (PMID: 23242139, 28779002, 33471991) and pancreatic cancer (PMID: 29945567). This variant has not been identified in the general population by the Genome Aggregation Database (gnomAD). Loss of ATM function is a known mechanism of disease. Based on the available evidence, this variant is classified as Pathogenic.

Labcorp Genetics (formerly Invitae), Labcorp
Classification: Pathogenic for Ataxia-telangiectasia syndrome. Last evaluated: 2024-08-20. Review status: criteria provided, single submitter. Criteria: Invitae Variant Classification Sherloc (09022015). Collection method: clinical testing. Allele origin: germline.
Comment: This sequence change creates a premature translational stop signal (p.Ser809*) in the ATM gene. It is expected to result in an absent or disrupted protein product. Loss-of-function variants in ATM are known to be pathogenic (PMID: 23807571, 25614872). This variant is not present in population databases (gnomAD no frequency). This variant has not been reported in the literature in individuals affected with ATM-related conditions. ClinVar contains an entry for this variant (Variation ID: 187556). Algorithms developed to predict the effect of sequence changes on RNA splicing suggest that this variant may disrupt the consensus splice site. For these reasons, this variant has been classified as Pathogenic.

Myriad Genetics, Inc.
Classification: Pathogenic for Familial cancer of breast. Last evaluated: 2024-01-17. Review status: criteria provided, single submitter. Criteria: Myriad Autosomal Dominant, Autosomal Recessive and X-Linked Classification Criteria (2023). Collection method: clinical testing. Allele origin: unknown.
Comment: This variant is considered pathogenic. This variant creates a termination codon and is predicted to result in premature protein truncation.

Baylor Genetics
Classification: Likely pathogenic for Familial cancer of breast. Last evaluated: 2023-07-26. Review status: criteria provided, single submitter. Criteria: ACMG Guidelines, 2015. Collection method: clinical testing. Allele origin: unknown.

Women's Health and Genetics/Laboratory Corporation of America, LabCorp
Classification: Pathogenic for Malignant tumor of breast. Last evaluated: 2023-01-05. Review status: criteria provided, single submitter. Criteria: LabCorp Variant Classification Summary - May 2015. Collection method: clinical testing. Allele origin: germline.
Comment: Variant summary: ATM c.2426C>A (p.Ser809X) results in a premature termination codon, predicted to cause a truncation of the encoded protein or absence of the protein due to nonsense mediated decay, which are commonly known mechanisms for disease. Truncations downstream of this position have been classified as pathogenic by our laboratory. The variant was absent in 251218 control chromosomes (gnomAD). c.2426C>A has been reported in the literature in individuals affected with Breast Cancer (e.g. Ruark_2013, Decker_2017). These data indicate that the variant is likely to be associated with disease. To our knowledge, no experimental evidence demonstrating an impact on protein function has been reported. Four ClinVar submitters (evaluation after 2014) cite the variant as pathogenic. Based on the evidence outlined above, the variant was classified as pathogenic.

Department of Pathology and Laboratory Medicine, Sinai Health System
Classification: Pathogenic for Familial colorectal cancer type X. Last evaluated: 2022-10-03. Review status: criteria provided, single submitter. Criteria: ACMG Guidelines, 2015. Collection method: clinical testing. Allele origin: germline. Affected: yes.

GeneDx
Classification: Pathogenic. Last evaluated: 2022-06-20. Review status: criteria provided, single submitter. Criteria: GeneDx Variant Classification Process June 2021. Collection method: clinical testing. Allele origin: germline. Affected: yes.
Comment: Nonsense variant predicted to result in protein truncation or nonsense mediated decay in a gene for which loss of function is a known mechanism of disease; Not observed at significant frequency in large population cohorts (gnomAD); Truncating variants in this gene are considered pathogenic by a well-established clinical consortium and/or database; This variant is associated with the following publications: (PMID: 23242139, 33804961, 29909963, 28779002, 29945567)

Revvity Omics, Revvity
Classification: Pathogenic for Ataxia-telangiectasia syndrome. Last evaluated: 2019-04-22. Review status: criteria provided, single submitter. Criteria: ACMG Guidelines, 2015. Collection method: clinical testing. Allele origin: germline.

Literature cited by the submitters: PubMed 28779002 (cited by 3 submitters); PubMed 29945567 (cited by 3 submitters); PubMed 33471991 (cited by Ambry Genetics and Color Diagnostics, LLC DBA Color Health); PubMed 23242139 (cited by Color Diagnostics, LLC DBA Color Health and Women's Health and Genetics/Laboratory Corporation of America, LabCorp); PubMed 23807571 (cited by Labcorp Genetics (formerly Invitae), Labcorp); PubMed 25614872 (cited by Labcorp Genetics (formerly Invitae), Labcorp); PubMed 33804961 (cited by Women's Health and Genetics/Laboratory Corporation of America, LabCorp).

NM_000051.4(ATM):c.2426C>A (p.Ser809Ter)

Gene: ATM (ATM serine/threonine kinase; plus strand). Cytogenetic location: 11q22.3.
Variant type: single nucleotide variant.
Coding change: c.2426C>A on transcript NM_000051.4 (MANE Select); coding-DNA position 2426, C replaced by A.
Protein change: p.Ser809Ter; replaces serine 809 with a stop codon.
Molecular consequence: nonsense.
Genome position (GRCh38, 1-based): chr11:108,259,035, C>A. VCF-style: chr11-108259035-C-A. GRCh37 (hg19) VCF-style: chr11-108129762-C-A.
Other names: c.2426C>A, p.Ser809Ter (NM_001351834.2); c.2426C>A (NM_000051.2); short protein forms S809*.
Identifiers: ClinVar variation 187556 (VCV000187556.25), dbSNP rs730881348, ClinGen allele CA197946.
Genomic context (GRCh38, chr11:108,259,035, plus strand): 5'-CTTAATTGCAGAAGAGTCCAAATAAGATTGCATCTGGCTTTTTCCTGCGATTGTTAACAT[C>A]AAAGCTAATGAATGACATTGCAGATATTTGTAAAAGTTTAGTAAGTATGCTTCCTGTTTT-3'